The following is an entry in ClinVar:

NM_001393586.1(MYO7B):c.4209C>T (p.Cys1403=)

Gene: MYO7B (myosin VIIB; plus strand). Cytogenetic location: 2q14.3.
Variant type: single nucleotide variant.
Coding change: c.4209C>T on transcript NM_001393586.1 (MANE Select); coding-DNA position 4209, C replaced by T.
Protein change: p.Cys1403=; no amino-acid change (cysteine 1403 retained).
Molecular consequence: synonymous variant.
Genome position (GRCh38, 1-based): chr2:127,625,529, C>T. VCF-style: chr2-127625529-C-T. GRCh37 (hg19) VCF-style: chr2-128383104-C-T.
Other names: c.4131C>T, p.Cys1377= (NM_001080527.2); c.690C>T, p.Cys230= (NM_001393594.1).
Identifiers: ClinVar variation 3051050 (VCV003051050.2), dbSNP rs141069626, ClinGen allele CA1861666.

ClinVar aggregate classification (germline): Likely benign (0 of 4 stars; one submission).

Conditions:
MYO7B-related disorder. Also called: MYO7B-related condition.

Allele frequency attached by ClinVar (database versions not stated): ExAC 0.00039; 1000 Genomes Project 0.00040; 1000 Genomes Project 30x 0.00094; ESP Exome Variant Server 0.00112; gnomAD 0.00139; TOPMed 0.00150.
gnomAD v4.1: 402 of 1,598,830 alleles (0.025%); highest among the groups gnomAD compares: African/African-American, 0.47%; 1 homozygote.

Submission:

PreventionGenetics, part of Exact Sciences
Classification: Likely benign for MYO7B-related condition. Last evaluated: 2019-04-11. Review status: no assertion criteria provided. Collection method: clinical testing. Allele origin: germline.
Comment: This variant is classified as likely benign based on ACMG/AMP sequence variant interpretation guidelines (Richards et al. 2015 PMID: 25741868, with internal and published modifications).